The following is an entry in ClinVar:

ClinVar aggregate classification (germline): Uncertain significance (1 of 4 stars; one submission).

gnomAD v4.1: 5 of 1,613,948 alleles (0.00031%); highest among the groups gnomAD compares: Admixed American, 0.0067%; no homozygotes.

Submission:

Women's Health and Genetics/Laboratory Corporation of America, LabCorp
Classification: Uncertain significance. Last evaluated: 2025-05-06. Review status: criteria provided, single submitter. Criteria: LabCorp Variant Classification Summary - May 2015. Collection method: clinical testing. Allele origin: germline.
Comment: Variant summary: VWA3B c.2111T>C (p.Met704Thr) results in a non-conservative amino acid change in the encoded protein sequence. Algorithms developed to predict the effect of missense changes on protein structure and function are either unavailable or do not agree on the potential impact of this missense change. The variant allele was found at a frequency of 1.2e-05 in 249506 control chromosomes. The available data on variant occurrences in the general population are insufficient to allow any conclusion about variant significance. To our knowledge, no occurrence of c.2111T>C in individuals affected with Spinocerebellar Ataxia, Autosomal Recessive 22 and no experimental evidence demonstrating its impact on protein function have been reported. No submitters have cited clinical-significance assessments for this variant to ClinVar. Based on the evidence outlined above, the variant was classified as uncertain significance.

NM_144992.5(VWA3B):c.2111T>C (p.Met704Thr)

Gene: VWA3B (von Willebrand factor A domain containing 3B; plus strand). Cytogenetic location: 2q11.2.
Variant type: single nucleotide variant.
Coding change: c.2111T>C on transcript NM_144992.5 (MANE Select); coding-DNA position 2111, T replaced by C.
Protein change: p.Met704Thr; replaces methionine 704 with threonine.
Molecular consequence: missense variant. On other transcripts: non-coding transcript variant (3).
Genome position (GRCh38, 1-based): chr2:98,228,293, T>C. VCF-style: chr2-98228293-T-C. GRCh37 (hg19) VCF-style: chr2-98844756-T-C.
Other names: c.1082T>C, p.Met361Thr (NM_001345864.2); short protein forms M361T, M704T.
Identifiers: ClinVar variation 3902489 (VCV003902489.1).